The following is an entry in ClinVar:

ClinVar aggregate classification (germline): Uncertain significance (1 of 4 stars; one submission).

Conditions:
Charcot-Marie-Tooth disease axonal type 2U. Also called: CHARCOT-MARIE-TOOTH NEUROPATHY, TYPE 2U; CHARCOT-MARIE-TOOTH DISEASE, AXONAL, AUTOSOMAL DOMINANT, TYPE 2U. Identifiers: Orphanet 397735, MedGen C4084821, MONDO:0014566, OMIM 616280.
Severe early-onset pulmonary alveolar proteinosis due to MARS deficiency. Also called: PULMONARY ALVEOLAR PROTEINOSIS, REUNION ISLAND; Interstitial lung and liver disease. Identifiers: Orphanet 440427, MedGen C4225400, MONDO:0014206, OMIM 615486.

Submission:

Labcorp Genetics (formerly Invitae), Labcorp
Classification: Uncertain significance for Charcot-Marie-Tooth disease axonal type 2U; Severe early-onset pulmonary alveolar proteinosis due to MARS deficiency. Last evaluated: 2021-05-31. Review status: criteria provided, single submitter. Criteria: Invitae Variant Classification Sherloc (09022015). Collection method: clinical testing. Allele origin: germline.
Comment: In summary, the available evidence is currently insufficient to determine the role of this variant in disease. Therefore, it has been classified as a Variant of Uncertain Significance. Algorithms developed to predict the effect of missense changes on protein structure and function are either unavailable or do not agree on the potential impact of this missense change (SIFT: "Deleterious"; PolyPhen-2: "Benign"; Align-GVGD: "Class C0"). This variant has not been reported in the literature in individuals with MARS-related conditions. ClinVar contains an entry for this variant (Variation ID: 838269). This variant is not present in population databases (ExAC no frequency). This sequence change replaces asparagine with aspartic acid at codon 218 of the MARS protein (p.Asn218Asp). The asparagine residue is moderately conserved and there is a small physicochemical difference between asparagine and aspartic acid.

NM_004990.4(MARS1):c.652A>G (p.Asn218Asp)

Gene: MARS1 (methionyl-tRNA synthetase 1; plus strand). Cytogenetic location: 12q13.3.
Variant type: single nucleotide variant.
Coding change: c.652A>G on transcript NM_004990.4 (MANE Select); coding-DNA position 652, A replaced by G.
Protein change: p.Asn218Asp; replaces asparagine 218 with aspartic acid.
Molecular consequence: missense variant.
Genome position (GRCh38, 1-based): chr12:57,490,368, A>G. VCF-style: chr12-57490368-A-G. GRCh37 (hg19) VCF-style: chr12-57884151-A-G.
Other names: short protein forms N218D.
Identifiers: ClinVar variation 838269 (VCV000838269.9), dbSNP rs1875839232, ClinGen allele CA385492222.
Genomic context (GRCh38, chr12:57,490,368, plus strand): 5'-CTCCGGCCTTACCTCCAAAAGCAGCCCCAGCCCAGCCCCGCTGAGGGAAGGGCTGTCACC[A>G]ATGAGCCTGAGGTTTGGAATAGGGCAGAGCCTTGGGGCCTGAGGTGGGAGGTGGCTAGGA-3'
Protein context (NP_004981.2, residues 208-228): PSPAEGRAVT[Asn218Asp]EPEEEELATL